The following is an entry in ClinVar:

ClinVar aggregate classification (germline): Uncertain significance (1 of 4 stars; one submission).

Allele frequency attached by ClinVar (database versions not stated): gnomAD exomes below 0.00001.

Submission:

Ambry Genetics
Classification: Uncertain significance. Last evaluated: 2023-03-22. Review status: criteria provided, single submitter. Criteria: Ambry Variant Classification Scheme 2023. Collection method: clinical testing. Allele origin: germline.
Comment: The p.T25A variant (also known as c.73A>G), located in coding exon 1 of the FAM175A gene, results from an A to G substitution at nucleotide position 73. The threonine at codon 25 is replaced by alanine, an amino acid with similar properties. This amino acid position is conserved. In addition, this alteration is predicted to be tolerated by in silico analysis. Since supporting evidence is limited at this time, the clinical significance of this alteration remains unclear.

NM_139076.3(ABRAXAS1):c.73A>G (p.Thr25Ala)

Genes: ABRAXAS1 (abraxas 1, BRCA1 A complex subunit; minus strand), LOC129992784 (ATAC-STARR-seq lymphoblastoid silent region 15542; plus strand). Cytogenetic location: 4q21.23.
Variant type: single nucleotide variant.
Coding change: c.73A>G on transcript NM_139076.3 (MANE Select); coding-DNA position 73, A replaced by G.
Protein change: p.Thr25Ala; replaces threonine 25 with alanine.
Molecular consequence: missense variant. On other transcripts: 5 prime UTR variant (1).
Genome position (GRCh38, 1-based): chr4:83,485,000, T>C on the plus strand (A>G on the coding strand, the complement: ABRAXAS1 is on the minus strand). VCF-style: chr4-83485000-T-C. GRCh37 (hg19) VCF-style: chr4-84406153-T-C.
Other names: c.-188A>G (NM_001345962.2); short protein forms T25A.
Identifiers: ClinVar variation 2563991 (VCV002563991.2), dbSNP rs2110051900, ClinGen allele CA357263908.